The following is an entry in ClinVar:

ClinVar aggregate classification (germline): Uncertain significance (1 of 4 stars; one submission).

Allele frequency attached by ClinVar (database versions not stated): TOPMed below 0.00001; gnomAD 0.00001; gnomAD exomes 0.00001; ExAC 0.00002; 1000 Genomes Project 30x 0.00016; 1000 Genomes Project 0.00020.

Submission:

Labcorp Genetics (formerly Invitae), Labcorp
Classification: Uncertain significance. Last evaluated: 2024-10-24. Review status: criteria provided, single submitter. Criteria: Invitae Variant Classification Sherloc (09022015). Collection method: clinical testing. Allele origin: germline.
Comment: This sequence change replaces proline, which is neutral and non-polar, with leucine, which is neutral and non-polar, at codon 877 of the SBF1 protein (p.Pro877Leu). This variant is present in population databases (rs528597678, gnomAD 0.003%). This variant has not been reported in the literature in individuals affected with SBF1-related conditions. ClinVar contains an entry for this variant (Variation ID: 1512210). Invitae Evidence Modeling of protein sequence and biophysical properties (such as structural, functional, and spatial information, amino acid conservation, physicochemical variation, residue mobility, and thermodynamic stability) indicates that this missense variant is expected to disrupt SBF1 protein function with a positive predictive value of 80%. In summary, the available evidence is currently insufficient to determine the role of this variant in disease. Therefore, it has been classified as a Variant of Uncertain Significance.

NM_002972.4(SBF1):c.2630C>T (p.Pro877Leu)

Gene: SBF1 (SET binding factor 1; minus strand). Cytogenetic location: 22q13.33.
Variant type: single nucleotide variant.
Coding change: c.2630C>T on transcript NM_002972.4 (MANE Select); coding-DNA position 2630, C replaced by T.
Protein change: p.Pro877Leu; replaces proline 877 with leucine.
Molecular consequence: missense variant.
Genome position (GRCh38, 1-based): chr22:50,461,809, G>A on the plus strand (C>T on the coding strand, the complement: SBF1 is on the minus strand). VCF-style: chr22-50461809-G-A. GRCh37 (hg19) VCF-style: chr22-50900238-G-A.
Other names: c.2633C>T, p.Pro878Leu (NM_001365819.1); short protein forms P877L, P878L.
Identifiers: ClinVar variation 1512210 (VCV001512210.4), dbSNP rs528597678, ClinGen allele CA10317136.